The following is an entry in ClinVar:

ClinVar aggregate classification (germline): Pathogenic/Likely pathogenic. Review status: criteria provided, multiple submitters, no conflicts (2 of 4 stars). 2 submissions from 2 submitters: Pathogenic (1); Likely pathogenic (1). Last evaluated 2020-02-25.

Conditions:
Cerebral cavernous malformation (CCM). Also called: Cavernous Hemangioma of Brain; Cerebral cavernous hemangioma (type); Cerebral cavernous malformations; CAVERNOUS ANGIOMA, FAMILIAL; CAVERNOUS ANGIOMATOUS MALFORMATIONS; CEREBRAL CAPILLARY MALFORMATIONS. Identifiers: Orphanet 221061, MedGen C2919945, MONDO:0000820, OMIM 116860, HP:0033522.

Submissions (2):

Labcorp Genetics (formerly Invitae), Labcorp
Classification: Pathogenic for Cerebral cavernous malformation. Last evaluated: 2020-02-25. Review status: criteria provided, single submitter. Criteria: Invitae Variant Classification Sherloc (09022015). Collection method: clinical testing. Allele origin: germline.
Comment: This sequence change affects a donor splice site in intron 10 of the KRIT1 gene. It is expected to disrupt RNA splicing and likely results in an absent or disrupted protein product. This variant is not present in population databases (ExAC no frequency). Disruption of this splice site has been observed in individual(s) with cerebral cavernous malformations (PMID: 10814716, 21029238). Disruption of this splice site also has been observed to segregate with disease in related individuals. ClinVar contains an entry for this variant (Variation ID: 590757). Algorithms developed to predict the effect of sequence changes on RNA splicing suggest that this variant may disrupt the consensus splice site, but this prediction has not been confirmed by published transcriptional studies. Donor and acceptor splice site variants typically lead to a loss of protein function (PMID: 16199547), and loss-of-function variants in KRIT1 are known to be pathogenic (PMID: 10508515, 11222804, 12404106, 24689081). For these reasons, this variant has been classified as Pathogenic.

PreventionGenetics, part of Exact Sciences
Classification: Likely pathogenic. Last evaluated: 2017-07-05. Review status: criteria provided, single submitter. Criteria: ACMG Guidelines, 2015. Collection method: clinical testing. Allele origin: germline.

Literature cited by the submitters: PubMed 10814716 (cited by Labcorp Genetics (formerly Invitae), Labcorp); PubMed 21029238 (cited by Labcorp Genetics (formerly Invitae), Labcorp); PubMed 16199547 (cited by Labcorp Genetics (formerly Invitae), Labcorp); PubMed 10508515 (cited by Labcorp Genetics (formerly Invitae), Labcorp); PubMed 11222804 (cited by Labcorp Genetics (formerly Invitae), Labcorp); PubMed 12404106 (cited by Labcorp Genetics (formerly Invitae), Labcorp); PubMed 24689081 (cited by Labcorp Genetics (formerly Invitae), Labcorp).

NM_194454.3(KRIT1):c.845+2T>A

Gene: KRIT1 (KRIT1 ankyrin repeat containing; minus strand). Cytogenetic location: 7q21.2.
Variant type: single nucleotide variant.
Coding change: c.845+2T>A on transcript NM_194454.3 (MANE Select); the canonical splice donor site of the intron after coding-DNA position 845, T replaced by A.
Molecular consequence: splice donor variant.
Genome position (GRCh38, 1-based): chr7:92,234,806, A>T on the plus strand (T>A on the coding strand, the complement: KRIT1 is on the minus strand). VCF-style: chr7-92234806-A-T. GRCh37 (hg19) VCF-style: chr7-91864120-A-T.
Other names: c.845+2T>A (NM_001350672.1, NM_001350676.1, NM_001350673.1 and 29 more transcripts); c.131+2T>A (NM_001350671.1).
Identifiers: ClinVar variation 590757 (VCV000590757.11), dbSNP rs1563302930, ClinGen allele CA368158210.